The following is an entry in ClinVar:

ClinVar aggregate classification (germline): Benign/Likely benign. Review status: criteria provided, multiple submitters, no conflicts (2 of 4 stars). 6 submissions from 6 submitters: Benign (1); Likely benign (5). Last evaluated 2026-01-27.

Conditions:
Hereditary cancer-predisposing syndrome. Also called: Hereditary neoplastic syndrome; Neoplastic Syndromes, Hereditary; Hereditary Cancer Syndrome; Tumor predisposition. Identifiers: Orphanet 140162, MedGen C0027672, MeSH D009386, MONDO:0015356.
Birt-Hogg-Dube syndrome 1 (BHD1). Also called: FIBROFOLLICULOMAS WITH TRICHODISCOMAS AND ACROCHORDONS. Identifiers: Orphanet 122, MedGen CN375946, MONDO:0800445, OMIM 135150.
FLCN-related disorder. Also called: FLCN-related condition.
Birt-Hogg-Dube syndrome. Also called: Birt Hogg Dubé syndrome. Identifiers: Orphanet 122, MedGen C0346010, MONDO:0800444.

Allele frequency attached by ClinVar (database versions not stated): TOPMed 0.00002.
gnomAD v4.1: 78 of 1,614,110 alleles (0.0048%); highest among the groups gnomAD compares: Non-Finnish European, 0.0064%; no homozygotes.

Submissions (6):

Labcorp Genetics (formerly Invitae), Labcorp
Classification: Likely benign for Birt-Hogg-Dube syndrome. Last evaluated: 2026-01-27. Review status: criteria provided, single submitter. Criteria: Invitae Variant Classification Sherloc (09022015). Collection method: clinical testing. Allele origin: germline.

PreventionGenetics, part of Exact Sciences
Classification: Likely benign for FLCN-related condition. Last evaluated: 2025-12-19. Review status: criteria provided, single submitter. Criteria: ACMG Guidelines, 2015. Collection method: clinical testing. Allele origin: germline.
Comment: This variant is classified as likely benign based on ACMG/AMP sequence variant interpretation guidelines (Richards et al. 2015 PMID: 25741868, with internal and published modifications).

CeGaT Center for Human Genetics Tuebingen
Classification: Likely benign. Last evaluated: 2025-12-01. Review status: criteria provided, single submitter. Criteria: CeGaT Center For Human Genetics Tuebingen Variant Classification Criteria Version 2. Collection method: clinical testing. Allele origin: germline. Affected: yes. Observed: 1 variant allele.
Comment: FLCN: BP4, BP7

Center for Genomic Medicine, Rigshospitalet, Copenhagen University Hospital
Classification: Likely benign. Last evaluated: 2025-03-04. Review status: criteria provided, single submitter. Criteria: ACMG Guidelines, 2015. Collection method: clinical testing. Allele origin: germline.

Myriad Genetics, Inc.
Classification: Benign for Birt-Hogg-Dube syndrome 1. Last evaluated: 2024-10-23. Review status: criteria provided, single submitter. Criteria: Myriad Autosomal Dominant, Autosomal Recessive and X-Linked Classification Criteria (2023). Collection method: clinical testing. Allele origin: unknown.
Comment: This variant is considered benign. This variant is a silent/synonymous amino acid change and it is not expected to impact splicing.

Ambry Genetics
Classification: Likely benign for Hereditary cancer-predisposing syndrome. Last evaluated: 2017-10-12. Review status: criteria provided, single submitter. Criteria: Ambry Variant Classification Scheme 2023. Collection method: clinical testing. Allele origin: germline.

NM_144997.7(FLCN):c.735A>G (p.Thr245=)

Gene: FLCN (folliculin; minus strand). Cytogenetic location: 17p11.2.
Variant type: single nucleotide variant.
Coding change: c.735A>G on transcript NM_144997.7 (MANE Select); coding-DNA position 735, A replaced by G.
Protein change: p.Thr245=; no amino-acid change (threonine 245 retained).
Molecular consequence: synonymous variant.
Genome position (GRCh38, 1-based): chr17:17,222,545, T>C on the plus strand (A>G on the coding strand, the complement: FLCN is on the minus strand). VCF-style: chr17-17222545-T-C. GRCh37 (hg19) VCF-style: chr17-17125859-T-C.
Other names: c.789A>G, p.Thr263= (NM_001353229.2); c.735A>G, p.Thr245= (NM_001353230.2, NM_001353231.2, NM_144606.7); c.735A>G (LRG_325t1).
Identifiers: ClinVar variation 460629 (VCV000460629.28), dbSNP rs150175875, ClinGen allele CA8416325.